The following is an entry in ClinVar:

ClinVar aggregate classification (germline): Uncertain significance (1 of 4 stars; one submission).

Conditions:
Hereditary cancer-predisposing syndrome. Also called: Neoplastic Syndromes, Hereditary; Tumor predisposition; Hereditary Cancer Syndrome; Hereditary neoplastic syndrome. Identifiers: Orphanet 140162, MedGen C0027672, MeSH D009386, MONDO:0015356.

Submission:

Color Diagnostics, LLC DBA Color Health
Classification: Uncertain significance for Hereditary cancer-predisposing syndrome. Last evaluated: 2023-12-05. Review status: criteria provided, single submitter. Criteria: ACMG Guidelines, 2015. Collection method: clinical testing. Allele origin: germline.
Comment: This missense variant replaces glutamic acid with aspartic acid at codon 502 of the BMPR1A protein. Computational prediction tools and conservation analyses are inconclusive regarding the impact of this variant on the protein function. Computational splicing tools suggest that this variant may not impact RNA splicing. To our knowledge, functional assays have not been performed for this variant nor has this variant been reported in individuals affected with hereditary cancer in the literature. This variant has not been identified in the general population by the Genome Aggregation Database (gnomAD). Available evidence is insufficient to determine the role of this variant in disease conclusively. Therefore, this variant is classified as a Variant of Uncertain Significance.

NM_004329.3(BMPR1A):c.1506A>C (p.Glu502Asp)

Gene: BMPR1A (bone morphogenetic protein receptor type 1A; plus strand). Cytogenetic location: 10q23.2.
Variant type: single nucleotide variant.
Coding change: c.1506A>C on transcript NM_004329.3 (MANE Select); coding-DNA position 1506, A replaced by C.
Protein change: p.Glu502Asp; replaces glutamic acid 502 with aspartic acid.
Molecular consequence: missense variant.
Genome position (GRCh38, 1-based): chr10:86,923,626, A>C. VCF-style: chr10-86923626-A-C. GRCh37 (hg19) VCF-style: chr10-88683383-A-C.
Other names: short protein forms E502D.
Identifiers: ClinVar variation 918856 (VCV000918856.5), dbSNP rs1843699630, ClinGen allele CA377463769.
Genomic context (GRCh38, chr10:86,923,626, plus strand): 5'-GCTCACTGAACATCTCTTTACTTTTCAGTGTCTACGAGCAGTTTTGAAGCTAATGTCAGA[A>C]TGCTGGGCCCACAATCCAGCCTCCAGACTCACAGCATTGAGAATTAAGAAGACGCTTGCC-3'
Protein context (NP_004320.2, residues 492-512): CLRAVLKLMS[Glu502Asp]CWAHNPASRL